The following is an entry in ClinVar:

NM_014915.3(ANKRD26):c.1798A>G (p.Asn600Asp)

Gene: ANKRD26 (ankyrin repeat domain 26; minus strand). Cytogenetic location: 10p12.1.
Variant type: single nucleotide variant.
Coding change: c.1798A>G on transcript NM_014915.3 (MANE Select); coding-DNA position 1798, A replaced by G.
Protein change: p.Asn600Asp; replaces asparagine 600 with aspartic acid.
Molecular consequence: missense variant.
Genome position (GRCh38, 1-based): chr10:27,048,817, T>C on the plus strand (A>G on the coding strand, the complement: ANKRD26 is on the minus strand). VCF-style: chr10-27048817-T-C. GRCh37 (hg19) VCF-style: chr10-27337746-T-C.
Other names: c.1798A>G, p.Asn600Asp (NM_001256053.2); short protein forms N600D.
Identifiers: ClinVar variation 3671447 (VCV003671447.2).

ClinVar aggregate classification (germline): Uncertain significance (1 of 4 stars; one submission).

Submission:

Labcorp Genetics (formerly Invitae), Labcorp
Classification: Uncertain significance. Last evaluated: 2024-12-05. Review status: criteria provided, single submitter. Criteria: Invitae Variant Classification Sherloc (09022015). Collection method: clinical testing. Allele origin: germline.
Comment: This sequence change replaces asparagine, which is neutral and polar, with aspartic acid, which is acidic and polar, at codon 600 of the ANKRD26 protein (p.Asn600Asp). This variant is not present in population databases (gnomAD no frequency). This variant has not been reported in the literature in individuals affected with ANKRD26-related conditions. An algorithm developed to predict the effect of missense changes on protein structure and function outputs the following: PolyPhen-2: "Benign". The aspartic acid amino acid residue is found in multiple mammalian species, which suggests that this missense change does not adversely affect protein function. In summary, the available evidence is currently insufficient to determine the role of this variant in disease. Therefore, it has been classified as a Variant of Uncertain Significance.